The following is an entry in ClinVar:

ClinVar aggregate classification (germline): Pathogenic/Likely pathogenic. Review status: criteria provided, multiple submitters, no conflicts (2 of 4 stars). 2 submissions from 2 submitters: Pathogenic (1); Likely pathogenic (1). Last evaluated 2024-04-26.

Conditions:
Corticosterone 18-monooxygenase deficiency. Also called: 18 Hydroxylase deficiency; Aldosterone deficiency due to defect in 18 hydroxylase; Aldosterone deficiency 1; 18 alpha hydroxylase deficiency; Corticosterone methyloxidase type 1 deficiency; CMO 1 deficiency. Identifiers: Orphanet 427, MedGen C0268293, MONDO:0008751, OMIM 203400. Disease mechanism: loss of function.
Corticosterone methyloxidase type 2 deficiency. Also called: 18-OXIDASE DEFICIENCY; ALDOSTERONE DEFICIENCY DUE TO DEFICIENCY OF STEROID 18-OXIDASE; ALDOSTERONE DEFICIENCY II; CMO II DEFICIENCY; STEROID 18-OXIDASE DEFICIENCY. Identifiers: Orphanet 427, MedGen C3463917, MONDO:0012524, OMIM 610600. Disease mechanism: loss of function.

Allele frequency attached by ClinVar (database versions not stated): gnomAD exomes below 0.00001; TOPMed 0.00001.

Submissions (2):

Fulgent Genetics
Classification: Likely pathogenic for Corticosterone 18-monooxygenase deficiency; Corticosterone methyloxidase type 2 deficiency. Last evaluated: 2024-04-26. Review status: criteria provided, single submitter. Criteria: ACMG Guidelines, 2015. Collection method: clinical testing. Allele origin: germline.

Labcorp Genetics (formerly Invitae), Labcorp
Classification: Pathogenic. Last evaluated: 2023-02-14. Review status: criteria provided, single submitter. Criteria: Invitae Variant Classification Sherloc (09022015). Collection method: clinical testing. Allele origin: germline.
Comment: For these reasons, this variant has been classified as Pathogenic. This variant has not been reported in the literature in individuals affected with CYP11B2-related conditions. This variant is present in population databases (no rsID available, gnomAD 0.007%). This sequence change creates a premature translational stop signal (p.Gln404*) in the CYP11B2 gene. It is expected to result in an absent or disrupted protein product. Loss-of-function variants in CYP11B2 are known to be pathogenic (PMID: 20494601, 22801770, 26936515).

Literature cited by the submitters: PubMed 20494601 (cited by Labcorp Genetics (formerly Invitae), Labcorp); PubMed 22801770 (cited by Labcorp Genetics (formerly Invitae), Labcorp); PubMed 26936515 (cited by Labcorp Genetics (formerly Invitae), Labcorp).

NM_000498.3(CYP11B2):c.1210C>T (p.Gln404Ter)

Genes: CYP11B2 (cytochrome P450 family 11 subfamily B member 2; minus strand), LOC106799834 (CYP11B2 recombination region; plus strand). Cytogenetic location: 8q24.3.
Variant type: single nucleotide variant.
Coding change: c.1210C>T on transcript NM_000498.3 (MANE Select); coding-DNA position 1210, C replaced by T.
Protein change: p.Gln404Ter; replaces glutamine 404 with a stop codon.
Molecular consequence: nonsense.
Genome position (GRCh38, 1-based): chr8:142,912,718, G>A on the plus strand (C>T on the coding strand, the complement: CYP11B2 is on the minus strand). VCF-style: chr8-142912718-G-A. GRCh37 (hg19) VCF-style: chr8-143994134-G-A.
Other names: short protein forms Q404*.
Identifiers: ClinVar variation 2987719 (VCV002987719.4), dbSNP rs1056722915, ClinGen allele CA187453635.